The following is an entry in ClinVar:

ClinVar aggregate classification (germline): Conflicting classifications of pathogenicity. Review status: criteria provided, conflicting classifications (1 of 4 stars). 3 submissions from 3 submitters: Uncertain significance (1); Likely benign (2). Last evaluated 2025-11-17.

Conditions:
Inborn genetic diseases. Identifiers: MedGen C0950123, MeSH D030342.
Cataract 22 multiple types. Also called: CATARACT 22, NUCLEAR, AUTOSOMAL RECESSIVE; CATARACT 22, MULTIPLE TYPES, AUTOSOMAL DOMINANT; Cataract 22. Identifiers: Orphanet 91492, MedGen C1857853, MONDO:0012336, OMIM 609741.

Allele frequency attached by ClinVar (database versions not stated): 1000 Genomes Project 30x 0.00125; gnomAD 0.00394 and 0.00381; gnomAD exomes 0.00452 and 0.00601; ExAC 0.00469; ESP Exome Variant Server 0.00515; 1000 Genomes Project 0.00140; TOPMed 0.00363.
gnomAD v4.1: 9,294 of 1,613,456 alleles (0.58%); highest among the groups gnomAD compares: Non-Finnish European, 0.67%; 42 homozygotes.

Submissions (10):

Labcorp Genetics (formerly Invitae), Labcorp
Classification: Likely benign for Cataract 22 multiple types. Last evaluated: 2025-11-17. Review status: criteria provided, single submitter. Criteria: Invitae Variant Classification Sherloc (09022015). Collection method: clinical testing. Allele origin: germline.

CeGaT Center for Human Genetics Tuebingen
Classification: Likely benign. Last evaluated: 2024-10-01. Review status: criteria provided, single submitter. Criteria: CeGaT Center For Human Genetics Tuebingen Variant Classification Criteria Version 2. Collection method: clinical testing. Allele origin: germline. Affected: yes. Observed: 4 variant alleles.
Comment: CRYBB3: BP4, BS2

Ambry Genetics
Classification: Uncertain significance for Inborn genetic diseases. Last evaluated: 2021-10-18. Review status: criteria provided, single submitter. Criteria: Ambry Variant Classification Scheme 2023. Collection method: clinical testing. Allele origin: germline.

Dr. Peter K. Rogan Lab, Western University
No classification provided (evidence only). Condition: Clear cell carcinoma of kidney. Review status: no classification provided. Collection method: in vitro. Allele origin: not applicable. Functional consequence: retained intron. Not counted in ClinVar's aggregate classification.

Dr. Peter K. Rogan Lab, Western University
No classification provided (evidence only). Condition: Thyroid cancer, nonmedullary, 1. Review status: no classification provided. Collection method: in vitro. Allele origin: not applicable. Functional consequence: retained intron. Not counted in ClinVar's aggregate classification.

Dr. Peter K. Rogan Lab, Western University
No classification provided (evidence only). Condition: Thyroid cancer, nonmedullary, 1. Review status: no classification provided. Collection method: in vitro. Allele origin: not applicable. Functional consequence: retained intron. Not counted in ClinVar's aggregate classification.

Dr. Peter K. Rogan Lab, Western University
No classification provided (evidence only). Condition: Hepatocellular carcinoma. Review status: no classification provided. Collection method: in vitro. Allele origin: not applicable. Functional consequence: retained intron. Not counted in ClinVar's aggregate classification.

Dr. Peter K. Rogan Lab, Western University
No classification provided (evidence only). Condition: Hepatocellular carcinoma. Review status: no classification provided. Collection method: in vitro. Allele origin: not applicable. Functional consequence: retained intron. Not counted in ClinVar's aggregate classification.

Dr. Peter K. Rogan Lab, Western University
No classification provided (evidence only). Condition: Ovarian serous cystadenocarcinoma. Review status: no classification provided. Collection method: in vitro. Allele origin: not applicable. Functional consequence: retained intron. Not counted in ClinVar's aggregate classification.

Dr. Peter K. Rogan Lab, Western University
No classification provided (evidence only). Condition: Gastric cancer. Review status: no classification provided. Collection method: in vitro. Allele origin: not applicable. Functional consequence: retained intron. Not counted in ClinVar's aggregate classification.

NM_004076.5(CRYBB3):c.38C>G (p.Ala13Gly)

Gene: CRYBB3 (crystallin beta B3; plus strand). Cytogenetic location: 22q11.23.
Variant type: single nucleotide variant.
Coding change: c.38C>G on transcript NM_004076.5 (MANE Select); coding-DNA position 38, C replaced by G.
Protein change: p.Ala13Gly; replaces alanine 13 with glycine.
Molecular consequence: missense variant.
Genome position (GRCh38, 1-based): chr22:25,201,434, C>G. VCF-style: chr22-25201434-C-G. GRCh37 (hg19) VCF-style: chr22-25597401-C-G.
Other names: c.38C>G (NM_004076.3); short protein forms A13G.
Identifiers: ClinVar variation 340949 (VCV000340949.49), dbSNP rs147831812, ClinGen allele CA10157643.
Genomic context (GRCh38, chr22:25,201,434, plus strand): 5'-AAGCCAGAGGTGTTCCTGGGGAGATGGCGGAACAGCACGGAGCACCCGAACAGGCTGCAG[C>G]TGGCAAGAGCCATGGAGACCTTGGGGGCAGCTACAAGGTACTGGGCAGGGAGGGGGTCAG-3'
Protein context (NP_004067.1, residues 3-23): EQHGAPEQAA[Ala13Gly]GKSHGDLGGS